The following is an entry in ClinVar:

NM_003809.3(TNFSF12):c.175G>A (p.Glu59Lys)

Genes: TNFSF12-TNFSF13 (TNFSF12-TNFSF13 readthrough; plus strand), TNFSF12 (TNF superfamily member 12; plus strand). Cytogenetic location: 17p13.1.
Variant type: single nucleotide variant.
Coding change: c.175G>A on transcript NM_003809.3 (MANE Select); coding-DNA position 175, G replaced by A.
Protein change: p.Glu59Lys; replaces glutamic acid 59 with lysine.
Molecular consequence: missense variant. On other transcripts: non-coding transcript variant (1).
Genome position (GRCh38, 1-based): chr17:7,549,489, G>A. VCF-style: chr17-7549489-G-A. GRCh37 (hg19) VCF-style: chr17-7452806-G-A.
Other names: c.175G>A, p.Glu59Lys (NM_172089.4); short protein forms E59K.
Identifiers: ClinVar variation 3670810 (VCV003670810.2).
Genomic context (GRCh38, chr17:7,549,489, plus strand): 5'-TGTCAGGTGGAGCGGCACAGGGTGACGCTCCCTCCTTCCCAGCAGGAGCCTGCCCAGGAG[G>A]AGCTGGTGGCAGAGGAGGACCAGGACCCGTCGGTGAGTGGGCGTGGGCGCGGTCTGCAGG-3'
Protein context (NP_003800.1, residues 49-69): SLSAQEPAQE[Glu59Lys]LVAEEDQDPS

ClinVar aggregate classification (germline): Uncertain significance (1 of 4 stars; one submission).

Conditions:
Common variable immunodeficiency (CVID). Also called: Common variable hypogamma-globulinemia; Common variable agammaglobulinemia. Identifiers: Orphanet 1572, MedGen C0009447, MONDO:0015517.

Submission:

Labcorp Genetics (formerly Invitae), Labcorp
Classification: Uncertain significance for Common variable immunodeficiency. Last evaluated: 2025-01-06. Review status: criteria provided, single submitter. Criteria: Invitae Variant Classification Sherloc (09022015). Collection method: clinical testing. Allele origin: germline.
Comment: This sequence change replaces glutamic acid, which is acidic and polar, with lysine, which is basic and polar, at codon 59 of the TNFSF12 protein (p.Glu59Lys). This variant is not present in population databases (gnomAD no frequency). This variant has not been reported in the literature in individuals affected with TNFSF12-related conditions. An algorithm developed to predict the effect of missense changes on protein structure and function outputs the following: PolyPhen-2: "Benign". The lysine amino acid residue is found in multiple mammalian species, which suggests that this missense change does not adversely affect protein function. In summary, the available evidence is currently insufficient to determine the role of this variant in disease. Therefore, it has been classified as a Variant of Uncertain Significance.